The following is an entry in ClinVar:

NM_001276345.2(TNNT2):c.381G>T (p.Glu127Asp)

Gene: TNNT2 (troponin T2, cardiac type; minus strand). Cytogenetic location: 1q32.1.
Variant type: single nucleotide variant.
Coding change: c.381G>T on transcript NM_001276345.2 (MANE Select); coding-DNA position 381, G replaced by T.
Protein change: p.Glu127Asp; replaces glutamic acid 127 with aspartic acid.
Molecular consequence: missense variant. On other transcripts: intron variant (1).
Genome position (GRCh38, 1-based): chr1:201,365,221, C>A on the plus strand (G>T on the coding strand, the complement: TNNT2 is on the minus strand). VCF-style: chr1-201365221-C-A. GRCh37 (hg19) VCF-style: chr1-201334349-C-A.
Other names: c.351G>T, p.Glu117Asp (NM_001406727.1, NM_001001430.3, NM_001001431.3 and 3 more transcripts); c.336G>T, p.Glu112Asp (NM_001406728.1, NM_001001432.3); c.291+389G>T (NM_001276346.2); c.381G>T, p.Glu127Asp (NM_000364.4, NM_001406723.1); c.348G>T, p.Glu116Asp (NM_001406725.1); short protein forms E112D, E116D, E117D, E127D.
Identifiers: ClinVar variation 4879792 (VCV004879792.1).

ClinVar aggregate classification (germline): Uncertain significance (1 of 4 stars; one submission).

Conditions:
Dilated cardiomyopathy 1D. Identifiers: Orphanet 154, Orphanet 54260, MedGen C1832243, MONDO:0011095, OMIM 601494.

gnomAD v4.1: 4 of 1,614,148 alleles (0.00025%); highest among the groups gnomAD compares: Non-Finnish European, 0.00034%; no homozygotes.

Submission:

Victorian Clinical Genetics Services, Murdoch Childrens Research Institute
Classification: Uncertain significance for Dilated cardiomyopathy 1D. Last evaluated: 2026-02-09. Review status: criteria provided, single submitter. Criteria: ACMG Guidelines, 2015. Collection method: clinical testing. Allele origin: germline. Affected: yes.
Comment: This variant is classified as VUS-3B. Evidence in support of pathogenic classification: Variant is present in gnomAD <0.001 for a dominant condition (v4: 4 heterozygote(s), 0 homozygote(s)). - Missense variant predicted to be damaging by in silico tool(s) or highly conserved with a major amino acid change. Additional information: Variant is predicted to result in a missense amino acid change from Glu to Asp; This variant is heterozygous; This gene is associated with autosomal dominant disease; This variant has no previous evidence of pathogenicity; No published evidence of segregation with disease has been identified for this variant; No published functional evidence has been identified for this variant; No comparable missense variants have previous evidence for pathogenicity; Variant is located in the annotated troponin domain (DECIPHER). - The mechanism of disease for this gene is not clearly established. Functional studies have suggested loss of function, gain of function and dominant negative mechanisms based on calcium sensitivity, contractibility and mouse models (PMID: 18612386, 32098556, 33025817); Variants in this gene are known to have variable expressivity (OMIM, PMID: 26507537); Inheritance information for this variant is not currently available in this individual.

Literature cited by the submitters: PubMed 33025817; PubMed 26507537; PubMed 32098556; PubMed 18612386.